The following is an entry in ClinVar:

ClinVar aggregate classification (germline): Uncertain significance (1 of 4 stars; one submission).

gnomAD v4.1: 19 of 1,613,718 alleles (0.0012%); highest among the groups gnomAD compares: Non-Finnish European, 0.0016%; no homozygotes.

Submission:

Labcorp Genetics (formerly Invitae), Labcorp
Classification: Uncertain significance. Last evaluated: 2025-12-08. Review status: criteria provided, single submitter. Criteria: Invitae Variant Classification Sherloc (09022015). Collection method: clinical testing. Allele origin: germline.
Comment: This sequence change replaces glycine, which is neutral and non-polar, with aspartic acid, which is acidic and polar, at codon 121 of the CELSR2 protein (p.Gly121Asp). This variant is present in population databases (rs757738506, gnomAD 0.004%). This variant has not been reported in the literature in individuals affected with CELSR2-related conditions. ClinVar contains an entry for this variant (Variation ID: 3698591). An algorithm developed to predict the effect of missense changes on protein structure and function (PolyPhen-2) suggests that this variant is likely to be tolerated. In summary, the available evidence is currently insufficient to determine the role of this variant in disease. Therefore, it has been classified as a Variant of Uncertain Significance.

NM_001408.3(CELSR2):c.362G>A (p.Gly121Asp)

Gene: CELSR2 (cadherin EGF LAG seven-pass G-type receptor 2; plus strand). Cytogenetic location: 1p13.3.
Variant type: single nucleotide variant.
Coding change: c.362G>A on transcript NM_001408.3 (MANE Select); coding-DNA position 362, G replaced by A.
Protein change: p.Gly121Asp; replaces glycine 121 with aspartic acid.
Molecular consequence: missense variant.
Genome position (GRCh38, 1-based): chr1:109,250,441, G>A. VCF-style: chr1-109250441-G-A. GRCh37 (hg19) VCF-style: chr1-109793063-G-A.
Other names: short protein forms G121D.
Identifiers: ClinVar variation 3698591 (VCV003698591.2).